The following is an entry in ClinVar:

ClinVar aggregate classification (germline): Likely pathogenic (1 of 4 stars; one submission).

Conditions:
Seizures, benign familial infantile, 3 (BFIS3). Also called: Familial neonatal seizures; CONVULSIONS, BENIGN FAMILIAL INFANTILE, 3. Identifiers: Orphanet 140927, Orphanet 306, MedGen C1843140, MONDO:0011904, OMIM 607745.
Developmental and epileptic encephalopathy, 11 (DEE11). Also called: Early infantile epileptic encephalopathy 11. Identifiers: Orphanet 1934, MedGen C3150987, MONDO:0013388, OMIM 613721.

Submission:

Labcorp Genetics (formerly Invitae), Labcorp
Classification: Likely pathogenic for Seizures, benign familial infantile, 3; Developmental and epileptic encephalopathy, 11. Last evaluated: 2023-03-23. Review status: criteria provided, single submitter. Criteria: Invitae Variant Classification Sherloc (09022015). Collection method: clinical testing. Allele origin: germline.
Comment: This sequence change replaces isoleucine, which is neutral and non-polar, with leucine, which is neutral and non-polar, at codon 1640 of the SCN2A protein (p.Ile1640Leu). This variant is not present in population databases (gnomAD no frequency). This variant has not been reported in the literature in individuals affected with SCN2A-related conditions. ClinVar contains an entry for this variant (Variation ID: 2020237). Advanced modeling of protein sequence and biophysical properties (such as structural, functional, and spatial information, amino acid conservation, physicochemical variation, residue mobility, and thermodynamic stability) performed at Invitae indicates that this missense variant is expected to disrupt SCN2A protein function. This variant disrupts the p.Ile1640 amino acid residue in SCN2A. Other variant(s) that disrupt this residue have been determined to be pathogenic (PMID: 30619928; Invitae). This suggests that this residue is clinically significant, and that variants that disrupt this residue are likely to be disease-causing. In summary, the currently available evidence indicates that the variant is pathogenic, but additional data are needed to prove that conclusively. Therefore, this variant has been classified as Likely Pathogenic.

Literature cited by the submitters: PubMed 30619928.

NM_001040142.2(SCN2A):c.4918A>C (p.Ile1640Leu)

Gene: SCN2A (sodium voltage-gated channel alpha subunit 2; plus strand). Cytogenetic location: 2q24.3.
Variant type: single nucleotide variant.
Coding change: c.4918A>C on transcript NM_001040142.2 (MANE Select); coding-DNA position 4918, A replaced by C.
Protein change: p.Ile1640Leu; replaces isoleucine 1640 with leucine.
Molecular consequence: missense variant.
Genome position (GRCh38, 1-based): chr2:165,388,724, A>C. VCF-style: chr2-165388724-A-C. GRCh37 (hg19) VCF-style: chr2-166245234-A-C.
Other names: c.4918A>C, p.Ile1640Leu (NM_001371247.1, NM_021007.3, NM_001040143.2 and 1 more transcripts); short protein forms I1640L.
Identifiers: ClinVar variation 2020237 (VCV002020237.4), dbSNP rs1702006673, ClinGen allele CA349037783.